The following is an entry in ClinVar:

ClinVar aggregate classification (germline): Uncertain significance (1 of 4 stars; one submission).

Submission:

Labcorp Genetics (formerly Invitae), Labcorp
Classification: Uncertain significance. Last evaluated: 2025-06-20. Review status: criteria provided, single submitter. Criteria: Invitae Variant Classification Sherloc (09022015). Collection method: clinical testing. Allele origin: germline.
Comment: This sequence change affects codon 1323 of the CCDC88C mRNA. It is a 'silent' change, meaning that it does not change the encoded amino acid sequence of the CCDC88C protein. It affects a nucleotide within the consensus splice site. This variant is not present in population databases (gnomAD no frequency). This variant has not been reported in the literature in individuals affected with CCDC88C-related conditions. ClinVar contains an entry for this variant (Variation ID: 2009990). Algorithms developed to predict the effect of sequence changes on RNA splicing suggest that this variant is not likely to affect RNA splicing. In summary, the available evidence is currently insufficient to determine the role of this variant in disease. Therefore, it has been classified as a Variant of Uncertain Significance.

NM_001080414.4(CCDC88C):c.3967C>T (p.Leu1323=)

Gene: CCDC88C (coiled-coil and HOOK domain protein 88C; minus strand). Cytogenetic location: 14q32.11.
Variant type: single nucleotide variant.
Coding change: c.3967C>T on transcript NM_001080414.4 (MANE Select); coding-DNA position 3967, C replaced by T.
Protein change: p.Leu1323=; no amino-acid change (leucine 1323 retained).
Molecular consequence: synonymous variant.
Genome position (GRCh38, 1-based): chr14:91,294,318, G>A on the plus strand (C>T on the coding strand, the complement: CCDC88C is on the minus strand). VCF-style: chr14-91294318-G-A. GRCh37 (hg19) VCF-style: chr14-91760662-G-A.
Identifiers: ClinVar variation 2009990 (VCV002009990.4), dbSNP rs1262539647, ClinGen allele CA487546027.
Genomic context (GRCh38, chr14:91,294,318, plus strand): 5'-GGATCTGGCTCAGGAGGTGATGATTTTCTTCCTCCAAGTTCCCCTTGAGACGGGAGAGCA[G>A]CTAGAACACAGACCAACAGCGTCTCAGACACCATGTGACCCGGTGTTCCCACTGCTGGGA-3'
Protein context (NP_001073883.2, residues 1313-1333): SLTKLDNHCE[Leu1323=]LSRLKGNLEE